The following is an entry in ClinVar:

ClinVar aggregate classification (germline): Likely benign (1 of 4 stars; one submission).

Submission:

CeGaT Center for Human Genetics Tuebingen
Classification: Likely benign. Last evaluated: 2022-05-01. Review status: criteria provided, single submitter. Criteria: CeGaT Center For Human Genetics Tuebingen Variant Classification Criteria Version 2. Collection method: clinical testing. Allele origin: germline. Affected: yes. Observed: 1 variant allele.
Comment: NDUFS7: PM2:Supporting, BP4, BP7

NM_024407.5(NDUFS7):c.345C>T (p.Arg115=)

Gene: NDUFS7 (NADH:ubiquinone oxidoreductase core subunit S7; plus strand). Cytogenetic location: 19p13.3.
Variant type: single nucleotide variant.
Coding change: c.345C>T on transcript NM_024407.5 (MANE Select); coding-DNA position 345, C replaced by T.
Protein change: p.Arg115=; no amino-acid change (arginine 115 retained).
Molecular consequence: synonymous variant.
Genome position (GRCh38, 1-based): chr19:1,390,987, C>T. VCF-style: chr19-1390987-C-T. GRCh37 (hg19) VCF-style: chr19-1390986-C-T.
Other names: c.345C>T, p.Arg115= (NM_001363602.2).
Identifiers: ClinVar variation 2648914 (VCV002648914.24), dbSNP rs1172405159, ClinGen allele CA504895077.
Genomic context (GRCh38, chr19:1,390,987, plus strand): 5'-CATGGCAGCACCCCGCTACGACATGGACCGCTTTGGCGTGGTCTTCCGCGCCAGCCCGCG[C>T]CAGTCCGACGTCATGATCGTGGCCGGCACACTCACCAACAAGATGGCCCCAGCGCTTCGC-3'
Protein context (NP_077718.3, residues 105-125): RFGVVFRASP[Arg115=]QSDVMIVAGT